The following is an entry in ClinVar:

ClinVar aggregate classification (germline): not provided (0 of 4 stars; one submission).

Conditions:
Seizures, benign familial neonatal, 1. Also called: Benign Neonatal Epilepsy 1; KCNQ2-Related Benign Familial Neonatal Epilepsy; KCNQ2-Related Self-Limited Familial Neonatal Epilepsy (SLFNE); Seizures, benign neonatal, 1. Identifiers: Orphanet 1949, MedGen C3149074, MONDO:0007365, OMIM 121200.

Submission:

GeneReviews
No classification provided. Condition: Seizures, benign familial neonatal, 1. Review status: no classification provided. Collection method: literature only. Allele origin: germline. Affected: yes.
Comment: BFNE (benign familial neonatal epilepsy)

Literature cited by the submitters: PubMed 15596769; NCBI Bookshelf NBK32534.

NM_172107.4(KCNQ2):c.232del (p.Gln78fs)

Gene: KCNQ2 (potassium voltage-gated channel subfamily Q member 2; minus strand). Cytogenetic location: 20q13.33.
Variant type: Deletion.
Coding change: c.232del on transcript NM_172107.4 (MANE Select); coding-DNA position 232, one base deleted (C; older notation c.232delC).
Protein change: p.Gln78fs; shifts the reading frame from glutamine 78.
Molecular consequence: frameshift variant.
Genome position (GRCh38, 1-based): chr20:63,472,232, G deleted on the plus strand (C on the coding strand, the reverse complement: KCNQ2 is on the minus strand). VCF-style (leftmost placement, unchanged base first): chr20-63472231-TG-T. GRCh37 (hg19) VCF-style: chr20-62103584-TG-T.
Other names: c.232del, p.Gln78fs (NM_004518.6, NM_172106.3, NM_172108.5 and 1 more transcripts); short protein forms Q78fs.
Identifiers: ClinVar variation 21778 (VCV000021778.2), dbSNP rs118192189, ClinGen allele CA342490.